The following is an entry in ClinVar:

NM_001377265.1(MAPT):c.1007C>T (p.Ala336Val)

Gene: MAPT (microtubule associated protein tau). Cytogenetic location: 17q21.31.
Variant type: single nucleotide variant.
Coding change: c.1007C>T on transcript NM_001377265.1 (MANE Select); coding-DNA position 1007, C replaced by T.
Protein change: p.Ala336Val; replaces alanine 336 with valine.
Molecular consequence: missense variant. On other transcripts: intron variant (8).
Genome position (GRCh38, 1-based): chr17:45,983,586, C>T. VCF-style: chr17-45983586-C-T. GRCh37 (hg19) VCF-style: chr17-44060952-C-T.
Other names: c.782C>T, p.Ala261Val (NM_001123066.4, NM_016835.5); c.1007C>T, p.Ala336Val (NM_001377266.1); c.200-3454C>T (NM_001377268.1, NM_016834.5, NM_016841.5); c.374-3454C>T (NM_005910.6, NM_001203252.2); c.287-3454C>T (NM_001123067.4, NM_001203251.2, NM_001377267.1); short protein forms A261V, A336V.
Identifiers: ClinVar variation 2585150 (VCV002585150.1), dbSNP rs570884008, ClinGen allele CA8617754.
Genomic context (GRCh38, chr17:45,983,586, plus strand): 5'-AAGATGGGCGGCCTCCCCAGACAGCCGCCAGAGAAGCCACCAGCATCCCAGGCTTCCCAG[C>T]GGAGGGTGCCATCCCCCTCCCTGTGGATTTCCTCTCCAAAGTTTCCACAGAGATCCCAGC-3'
Protein context (NP_001364194.1, residues 326-346): REATSIPGFP[Ala336Val]EGAIPLPVDF

ClinVar aggregate classification (germline): Uncertain significance (1 of 4 stars; one submission).

Conditions:
Frontotemporal dementia (FTD1). Also called: Dementia, frontotemporal, with or without parkinsonism; Frontotemporal Dementia with Parkinsonism-17 (FTDP-17); Frontotemporal lobe dementia (FLDEM); FRONTOTEMPORAL DEMENTIA WITH PARKINSONISM; FRONTOTEMPORAL LOBE DEMENTIA; MULTIPLE SYSTEM TAUOPATHY WITH PRESENILE DEMENTIA. Identifiers: Orphanet 282, MedGen C0338451, MONDO:0017276, OMIM 600274, HP:0002145.

Allele frequency attached by ClinVar (database versions not stated): TOPMed below 0.00001; gnomAD 0.00001; gnomAD exomes 0.00002; ExAC 0.00003; 1000 Genomes Project 30x 0.00016; 1000 Genomes Project 0.00020.
gnomAD v4.1: 31 of 1,613,230 alleles (0.0019%); highest among the groups gnomAD compares: South Asian, 0.032%; no homozygotes.

Submission:

Neuberg Centre For Genomic Medicine, NCGM
Classification: Uncertain significance for Frontotemporal dementia. Review status: criteria provided, single submitter. Criteria: ACMG Guidelines, 2015. Collection method: clinical testing. Allele origin: germline. Inheritance: Autosomal dominant inheritance. Affected: yes.
Comment: The missense c.1007C>T (p.Ala336Val) variant in MAPT gene has not been reported previously as a pathogenic variant nor as a benign variant, to our knowledge. This variant is reported with the allele frequency 0.007% in the gnomAD and novel in 1000 genome database. The amino acid Ala at position 336 is changed to a Val changing protein sequence and it might alter its composition and physicochemical properties. The amino acid change p.Ala336Val in MAPT is predicted as conserved by GERP++. For these reasons, this variant has been classified as Uncertain Significance.